The following is an entry in ClinVar:

NM_000089.4(COL1A2):c.2905G>A (p.Val969Met)

Gene: COL1A2 (collagen type I alpha 2 chain; plus strand). Cytogenetic location: 7q21.3.
Variant type: single nucleotide variant.
Coding change: c.2905G>A on transcript NM_000089.4 (MANE Select); coding-DNA position 2905, G replaced by A.
Protein change: p.Val969Met; replaces valine 969 with methionine.
Molecular consequence: missense variant.
Genome position (GRCh38, 1-based): chr7:94,425,819, G>A. VCF-style: chr7-94425819-G-A. GRCh37 (hg19) VCF-style: chr7-94055131-G-A.
Other names: short protein forms V969M.
Identifiers: ClinVar variation 1436333 (VCV001436333.43), dbSNP rs765448220, ClinGen allele CA4347597.

ClinVar aggregate classification (germline): Uncertain significance. Review status: criteria provided, multiple submitters, no conflicts (2 of 4 stars). 4 submissions from 4 submitters: Uncertain significance (4). Last evaluated 2025-06-16.

Conditions:
Osteogenesis imperfecta type I (OI1). Also called: Classic Non-deforming Osteogenesis Imperfecta with Blue Sclerae; Osteogenesis imperfecta type 1; Lobstein's Disease; Lobstein disease; OI, TYPE I; OSTEOGENESIS IMPERFECTA TARDA. Identifiers: Orphanet 216796, Orphanet 666, MedGen C0023931, MONDO:0008146, OMIM 166200. Disease mechanism: loss of function.
Ehlers-Danlos syndrome, classic type, 1 (EDSCL1). Also called: EDS I; EHLERS-DANLOS SYNDROME, GRAVIS TYPE; EHLERS-DANLOS SYNDROME, SEVERE CLASSIC TYPE; Ehlers-Danlos syndrome, type 1; Ehlers-Danlos Syndrome, Classic Type, COL5A1-Related. Identifiers: MedGen C0268335, MONDO:0019567, OMIM 130000.
Cardiovascular phenotype. Identifiers: MedGen CN230736.

Allele frequency attached by ClinVar (database versions not stated): ExAC 0.00002; gnomAD exomes 0.00003 and 0.00004; gnomAD 0.00009 and 0.00011.

Submissions (4):

Women's Health and Genetics/Laboratory Corporation of America, LabCorp
Classification: Uncertain significance. Last evaluated: 2025-06-16. Review status: criteria provided, single submitter. Criteria: LabCorp Variant Classification Summary - May 2015. Collection method: clinical testing. Allele origin: germline.
Comment: Variant summary: COL1A2 c.2905G>A (p.Val969Met) results in a conservative amino acid change in the encoded protein sequence. Algorithms developed to predict the effect of missense changes on protein structure and function are either unavailable or do not agree on the potential impact of this missense change. The variant allele was found at a frequency of 4.5e-05 in 246594 control chromosomes. This frequency is not significantly higher than estimated for a pathogenic variant in COL1A2 causing Ehlers-Danlos syndrome, cardiac valvular type (4.5e-05 vs 0.0011), allowing no conclusion about variant significance. c.2905G>A has been observed in individual(s) affected with Aortic Dissection (Chen_2021) without evidence for causality. These report(s) do not provide unequivocal conclusions about association of the variant with Ehlers-Danlos syndrome, cardiac valvular type. To our knowledge, no experimental evidence demonstrating an impact on protein function has been reported. The following publication have been ascertained in the context of this evaluation (PMID: 34422331). ClinVar contains an entry for this variant (Variation ID: 1436333). Based on the evidence outlined above, the variant was classified as uncertain significance.

Ambry Genetics
Classification: Uncertain significance for Cardiovascular phenotype. Last evaluated: 2024-12-30. Review status: criteria provided, single submitter. Criteria: Ambry Variant Classification Scheme 2023. Collection method: clinical testing. Allele origin: germline.
Comment: The p.V969M variant (also known as c.2905G>A), located in coding exon 44 of the COL1A2 gene, results from a G to A substitution at nucleotide position 2905. The valine at codon 969 is replaced by methionine, an amino acid with highly similar properties. This amino acid position is not well conserved in available vertebrate species. In addition, the in silico prediction for this alteration is inconclusive. Based on the available evidence, the clinical significance of this variant remains unclear.

Labcorp Genetics (formerly Invitae), Labcorp
Classification: Uncertain significance for Osteogenesis imperfecta type I; Ehlers-Danlos syndrome, classic type, 1. Last evaluated: 2024-12-10. Review status: criteria provided, single submitter. Criteria: Invitae Variant Classification Sherloc (09022015). Collection method: clinical testing. Allele origin: germline.
Comment: This sequence change replaces valine, which is neutral and non-polar, with methionine, which is neutral and non-polar, at codon 969 of the COL1A2 protein (p.Val969Met). This variant is present in population databases (rs765448220, gnomAD 0.02%). This missense change has been observed in individual(s) with sporadic Stanford type A aortic dissection (PMID: 34422331). ClinVar contains an entry for this variant (Variation ID: 1436333). Invitae Evidence Modeling of protein sequence and biophysical properties (such as structural, functional, and spatial information, amino acid conservation, physicochemical variation, residue mobility, and thermodynamic stability) indicates that this missense variant is not expected to disrupt COL1A2 protein function with a negative predictive value of 95%. In summary, the available evidence is currently insufficient to determine the role of this variant in disease. Therefore, it has been classified as a Variant of Uncertain Significance.

CeGaT Center for Human Genetics Tuebingen
Classification: Uncertain significance. Last evaluated: 2022-04-01. Review status: criteria provided, single submitter. Criteria: CeGaT Center For Human Genetics Tuebingen Variant Classification Criteria Version 2. Collection method: clinical testing. Allele origin: germline. Affected: yes. Observed: 1 variant allele.

Literature cited by the submitters: PubMed 34422331 (cited by Women's Health and Genetics/Laboratory Corporation of America, LabCorp and Labcorp Genetics (formerly Invitae), Labcorp).